The following is an entry in ClinVar:

NM_000079.4(CHRNA1):c.177G>C (p.Gln59His)

Gene: CHRNA1 (cholinergic receptor nicotinic alpha 1 subunit; minus strand). Cytogenetic location: 2q31.1.
Variant type: single nucleotide variant.
Coding change: c.177G>C on transcript NM_000079.4 (MANE Select); coding-DNA position 177, G replaced by C.
Protein change: p.Gln59His; replaces glutamine 59 with histidine.
Molecular consequence: missense variant.
Genome position (GRCh38, 1-based): chr2:174,759,500, C>G on the plus strand (G>C on the coding strand, the complement: CHRNA1 is on the minus strand). VCF-style: chr2-174759500-C-G. GRCh37 (hg19) VCF-style: chr2-175624228-C-G.
Other names: p.Gln59His; c.177G>C, p.Gln59His (NM_001039523.3); short protein forms Q59H.
Identifiers: ClinVar variation 1486524 (VCV001486524.12), dbSNP rs199899006, ClinGen allele CA60857200.

ClinVar aggregate classification (germline): Uncertain significance. Review status: criteria provided, multiple submitters, no conflicts (2 of 4 stars). 3 submissions from 3 submitters: Uncertain significance (3). Last evaluated 2025-11-05.

Conditions:
Lethal multiple pterygium syndrome (LMPS). Identifiers: Orphanet 33108, MedGen C1854678, MONDO:0009668, OMIM 253290.

Allele frequency attached by ClinVar (database versions not stated): TOPMed below 0.00001; gnomAD 0.00001; gnomAD exomes 0.00001; 1000 Genomes Project 30x 0.00016; 1000 Genomes Project 0.00020.
gnomAD v4.1: 6 of 1,614,140 alleles (0.00037%); highest among the groups gnomAD compares: Admixed American, 0.0017%; no homozygotes.

Submissions (3):

Mayo Clinic Laboratories, Mayo Clinic
Classification: Uncertain significance. Last evaluated: 2025-11-05. Review status: criteria provided, single submitter. Criteria: ACMG Guidelines, 2015. Collection method: clinical testing. Allele origin: germline. Observed: 1 variant allele.
Comment: PP3

Labcorp Genetics (formerly Invitae), Labcorp
Classification: Uncertain significance for Lethal multiple pterygium syndrome. Last evaluated: 2025-05-05. Review status: criteria provided, single submitter. Criteria: Invitae Variant Classification Sherloc (09022015). Collection method: clinical testing. Allele origin: germline.
Comment: This sequence change replaces glutamine, which is neutral and polar, with histidine, which is basic and polar, at codon 59 of the CHRNA1 protein (p.Gln59His). This variant is present in population databases (rs199899006, gnomAD no frequency). This variant has not been reported in the literature in individuals affected with CHRNA1-related conditions. ClinVar contains an entry for this variant (Variation ID: 1486524). Invitae Evidence Modeling of protein sequence and biophysical properties (such as structural, functional, and spatial information, amino acid conservation, physicochemical variation, residue mobility, and thermodynamic stability) indicates that this missense variant is not expected to disrupt CHRNA1 protein function with a negative predictive value of 80%. In summary, the available evidence is currently insufficient to determine the role of this variant in disease. Therefore, it has been classified as a Variant of Uncertain Significance.

Revvity Omics, Revvity
Classification: Uncertain significance. Last evaluated: 2022-05-18. Review status: criteria provided, single submitter. Criteria: ACMG Guidelines, 2015. Collection method: clinical testing. Allele origin: germline.